The following is an entry in ClinVar:

ClinVar aggregate classification (germline): Likely benign (1 of 4 stars; one submission).

gnomAD v4.1: 3 of 1,613,992 alleles (0.00019%); highest among the groups gnomAD compares: Non-Finnish European, 0.00025%; no homozygotes.

Submission:

CeGaT Center for Human Genetics Tuebingen
Classification: Likely benign. Last evaluated: 2025-09-01. Review status: criteria provided, single submitter. Criteria: CeGaT Center For Human Genetics Tuebingen Variant Classification Criteria Version 2. Collection method: clinical testing. Allele origin: germline. Affected: yes. Observed: 1 variant allele.
Comment: CHD7: BP4, BP7

NM_017780.4(CHD7):c.6381A>C (p.Ala2127=)

Gene: CHD7 (chromodomain helicase DNA binding protein 7; plus strand). Cytogenetic location: 8q12.2.
Variant type: single nucleotide variant.
Coding change: c.6381A>C on transcript NM_017780.4 (MANE Select); coding-DNA position 6381, A replaced by C.
Protein change: p.Ala2127=; no amino-acid change (alanine 2127 retained).
Molecular consequence: synonymous variant. On other transcripts: intron variant (1).
Genome position (GRCh38, 1-based): chr8:60,853,106, A>C. VCF-style: chr8-60853106-A-C. GRCh37 (hg19) VCF-style: chr8-61765665-A-C.
Other names: c.1717-9123A>C (NM_001316690.1).
Identifiers: ClinVar variation 4281141 (VCV004281141.7).